The following is an entry in ClinVar:

ClinVar aggregate classification (germline): Uncertain significance (1 of 4 stars; one submission).

Submission:

Labcorp Genetics (formerly Invitae), Labcorp
Classification: Uncertain significance. Last evaluated: 2025-02-11. Review status: criteria provided, single submitter. Criteria: Invitae Variant Classification Sherloc (09022015). Collection method: clinical testing. Allele origin: germline.
Comment: This sequence change replaces alanine, which is neutral and non-polar, with proline, which is neutral and non-polar, at codon 1307 of the ALPK3 protein (p.Ala1307Pro). This variant is not present in population databases (gnomAD no frequency). This variant has not been reported in the literature in individuals affected with ALPK3-related conditions. Invitae Evidence Modeling of protein sequence and biophysical properties (such as structural, functional, and spatial information, amino acid conservation, physicochemical variation, residue mobility, and thermodynamic stability) indicates that this missense variant is not expected to disrupt ALPK3 protein function with a negative predictive value of 80%. In summary, the available evidence is currently insufficient to determine the role of this variant in disease. Therefore, it has been classified as a Variant of Uncertain Significance.

NM_020778.5(ALPK3):c.3313G>C (p.Ala1105Pro)

Gene: ALPK3 (alpha kinase 3; plus strand). Cytogenetic location: 15q25.3.
Variant type: single nucleotide variant.
Coding change: c.3313G>C on transcript NM_020778.5 (MANE Select); coding-DNA position 3313, G replaced by C.
Protein change: p.Ala1105Pro; replaces alanine 1105 with proline.
Molecular consequence: missense variant.
Genome position (GRCh38, 1-based): chr15:84,858,051, G>C. VCF-style: chr15-84858051-G-C. GRCh37 (hg19) VCF-style: chr15-85401282-G-C.
Other names: short protein forms A1105P.
Identifiers: ClinVar variation 4741419 (VCV004741419.1).